The following is an entry in ClinVar:

ClinVar aggregate classification (germline): Benign/Likely benign. Review status: criteria provided, multiple submitters, no conflicts (2 of 4 stars). 2 submissions from 2 submitters: Benign (1); Likely benign (1). Last evaluated 2026-02-01.

Allele frequency attached by ClinVar (database versions not stated): TOPMed below 0.00001; gnomAD 0.00003; 1000 Genomes Project 30x 0.00016; 1000 Genomes Project 0.00020; ExAC 0.00023; gnomAD exomes 0.00023.
gnomAD v4.1: 144 of 1,610,488 alleles (0.0089%); highest among the groups gnomAD compares: South Asian, 0.15%; 1 homozygote.

Submissions (2):

CeGaT Center for Human Genetics Tuebingen
Classification: Likely benign. Last evaluated: 2026-02-01. Review status: criteria provided, single submitter. Criteria: CeGaT Center For Human Genetics Tuebingen Variant Classification Criteria Version 2. Collection method: clinical testing. Allele origin: germline. Affected: yes. Observed: 1 variant allele.
Comment: FN1: BP4, BP7

Labcorp Genetics (formerly Invitae), Labcorp
Classification: Benign. Last evaluated: 2024-06-12. Review status: criteria provided, single submitter. Criteria: Invitae Variant Classification Sherloc (09022015). Collection method: clinical testing. Allele origin: germline.

NM_212482.4(FN1):c.7368T>G (p.Val2456=)

Genes: ATIC (5-aminoimidazole-4-carboxamide ribonucleotide formyltransferase/IMP cyclohydrolase; plus strand), FN1 (fibronectin 1; minus strand). Cytogenetic location: 2q35.
Variant type: single nucleotide variant.
Coding change: c.7368T>G on transcript NM_212482.4 (MANE Select); coding-DNA position 7368, T replaced by G.
Protein change: p.Val2456=; no amino-acid change (valine 2456 retained).
Molecular consequence: synonymous variant.
Genome position (GRCh38, 1-based): chr2:215,361,621, A>C on the plus strand (T>G on the coding strand, the complement: FN1 is on the minus strand). VCF-style: chr2-215361621-A-C. GRCh37 (hg19) VCF-style: chr2-216226344-A-C.
Other names: c.7275T>G, p.Val2425= (NM_001306129.2); c.6738T>G, p.Val2246= (NM_001306130.2); c.6732T>G, p.Val2244= (NM_001306131.2); c.6657T>G, p.Val2219= (NM_001306132.2); c.7098T>G, p.Val2366= (NM_001365517.2); c.7095T>G, p.Val2365= (NM_001365518.2); c.7023T>G, p.Val2341= (NM_001365519.2); c.7020T>G, p.Val2340= (NM_001365520.2); and 8 more.
Identifiers: ClinVar variation 1169554 (VCV001169554.33), dbSNP rs574336108, ClinGen allele CA2093549.